The following is an entry in ClinVar:

NM_144670.6(A2ML1):c.3971T>C (p.Met1324Thr)

Gene: A2ML1 (alpha-2-macroglobulin like 1; plus strand). Cytogenetic location: 12p13.31.
Variant type: single nucleotide variant.
Coding change: c.3971T>C on transcript NM_144670.6 (MANE Select); coding-DNA position 3971, T replaced by C.
Protein change: p.Met1324Thr; replaces methionine 1324 with threonine.
Molecular consequence: missense variant.
Genome position (GRCh38, 1-based): chr12:8,868,267, T>C. VCF-style: chr12-8868267-T-C. GRCh37 (hg19) VCF-style: chr12-9020863-T-C.
Other names: c.2498T>C, p.Met833Thr (NM_001282424.3); c.3971T>C (NM_144670.5, NM_144670.3); short protein forms M833T, M1324T.
Identifiers: ClinVar variation 2167322 (VCV002167322.6), dbSNP rs1341976356, ClinGen allele CA383812629.
Genomic context (GRCh38, chr12:8,868,267, plus strand): 5'-GGCTACCTATTTCTTCCTACCAGACGGTGTTGAGATACAATATTCTCCCTCCCACAAATA[T>C]GAAGACCTTTAGTCTTAGTGTGGAAATAGGAAAAGCTAGATGTGAGCAACCGACTTCACC-3'
Protein context (NP_653271.3, residues 1314-1334): LRYNILPPTN[Met1324Thr]KTFSLSVEIG

ClinVar aggregate classification (germline): Uncertain significance. Review status: criteria provided, multiple submitters, no conflicts (2 of 4 stars). 3 submissions from 3 submitters: Uncertain significance (3). Last evaluated 2025-11-27.

Allele frequency attached by ClinVar (database versions not stated): TOPMed 0.00001; gnomAD 0.00002.

Submissions (3):

Labcorp Genetics (formerly Invitae), Labcorp
Classification: Uncertain significance. Last evaluated: 2025-11-27. Review status: criteria provided, single submitter. Criteria: Invitae Variant Classification Sherloc (09022015). Collection method: clinical testing. Allele origin: germline.
Comment: This sequence change replaces methionine, which is neutral and non-polar, with threonine, which is neutral and polar, at codon 1324 of the A2ML1 protein (p.Met1324Thr). This variant is present in population databases (no rsID available, gnomAD 0.01%). This variant has not been reported in the literature in individuals affected with A2ML1-related conditions. ClinVar contains an entry for this variant (Variation ID: 2167322). An algorithm developed to predict the effect of missense changes on protein structure and function outputs the following: PolyPhen-2: "Benign". The threonine amino acid residue is found in multiple mammalian species, which suggests that this missense change does not adversely affect protein function. In summary, the available evidence is currently insufficient to determine the role of this variant in disease. Therefore, it has been classified as a Variant of Uncertain Significance.

Ambry Genetics
Classification: Uncertain significance. Last evaluated: 2025-05-27. Review status: criteria provided, single submitter. Criteria: Ambry Variant Classification Scheme 2023. Collection method: clinical testing. Allele origin: germline.
Comment: The p.M1324T variant (also known as c.3971T>C), located in coding exon 31 of the A2ML1 gene, results from a T to C substitution at nucleotide position 3971. The methionine at codon 1324 is replaced by threonine, an amino acid with similar properties. This amino acid position is conserved. In addition, this alteration is predicted to be tolerated by in silico analysis. Based on the available evidence, the clinical significance of this variant remains unclear.

Women's Health and Genetics/Laboratory Corporation of America, LabCorp
Classification: Uncertain significance. Last evaluated: 2023-06-18. Review status: criteria provided, single submitter. Criteria: LabCorp Variant Classification Summary - May 2015. Collection method: clinical testing. Allele origin: germline.